The following is an entry in ClinVar:

ClinVar aggregate classification (germline): Uncertain significance (1 of 4 stars; one submission).

Conditions:
Spondyloepiphyseal dysplasia with congenital joint dislocations (SEDCJD). Also called: Chondrodysplasia with Congenital Joint Dislocations, CHST3-Related. Identifiers: Orphanet 263463, MedGen C1837657, MONDO:0007738, OMIM 143095.

Submission:

Labcorp Genetics (formerly Invitae), Labcorp
Classification: Uncertain significance for Spondyloepiphyseal dysplasia with congenital joint dislocations. Last evaluated: 2022-08-23. Review status: criteria provided, single submitter. Criteria: Invitae Variant Classification Sherloc (09022015). Collection method: clinical testing. Allele origin: germline.
Comment: This variant is not present in population databases (gnomAD no frequency). In summary, the available evidence is currently insufficient to determine the role of this variant in disease. Therefore, it has been classified as a Variant of Uncertain Significance. Algorithms developed to predict the effect of missense changes on protein structure and function are either unavailable or do not agree on the potential impact of this missense change (SIFT: "Tolerated"; PolyPhen-2: "Probably Damaging"; Align-GVGD: "Class C0"). This variant has not been reported in the literature in individuals affected with CHST3-related conditions. This sequence change replaces glutamic acid, which is acidic and polar, with lysine, which is basic and polar, at codon 169 of the CHST3 protein (p.Glu169Lys).

NM_004273.5(CHST3):c.505G>A (p.Glu169Lys)

Gene: CHST3 (carbohydrate sulfotransferase 3; plus strand). Cytogenetic location: 10q22.1.
Variant type: single nucleotide variant.
Coding change: c.505G>A on transcript NM_004273.5 (MANE Select); coding-DNA position 505, G replaced by A.
Protein change: p.Glu169Lys; replaces glutamic acid 169 with lysine.
Molecular consequence: missense variant.
Genome position (GRCh38, 1-based): chr10:72,007,536, G>A. VCF-style: chr10-72007536-G-A. GRCh37 (hg19) VCF-style: chr10-73767294-G-A.
Other names: short protein forms E169K.
Identifiers: ClinVar variation 2002093 (VCV002002093.4), dbSNP rs2494769085, ClinGen allele CA377144215.